The following is an entry in ClinVar:

ClinVar aggregate classification (germline): Uncertain significance (1 of 4 stars; one submission).

Allele frequency attached by ClinVar (database versions not stated): gnomAD exomes 0.00001; ExAC 0.00002; TOPMed 0.00002.
gnomAD v4.1: 6 of 1,613,118 alleles (0.00037%); highest among the groups gnomAD compares: Admixed American, 0.01%; no homozygotes.

Submission:

Labcorp Genetics (formerly Invitae), Labcorp
Classification: Uncertain significance. Last evaluated: 2022-01-17. Review status: criteria provided, single submitter. Criteria: Invitae Variant Classification Sherloc (09022015). Collection method: clinical testing. Allele origin: germline.
Comment: This variant has not been reported in the literature in individuals affected with TOP2B-related conditions. Algorithms developed to predict the effect of missense changes on protein structure and function are either unavailable or do not agree on the potential impact of this missense change (SIFT: "Deleterious"; PolyPhen-2: "Benign"; Align-GVGD: "Class C0"). This variant is present in population databases (rs764796902, gnomAD 0.02%). In summary, the available evidence is currently insufficient to determine the role of this variant in disease. Therefore, it has been classified as a Variant of Uncertain Significance. This sequence change replaces tyrosine, which is neutral and polar, with cysteine, which is neutral and slightly polar, at codon 80 of the TOP2B protein (p.Tyr80Cys).

NM_001330700.2(TOP2B):c.254A>G (p.Tyr85Cys)

Gene: TOP2B (DNA topoisomerase II beta; minus strand). Cytogenetic location: 3p24.2.
Variant type: single nucleotide variant.
Coding change: c.254A>G on transcript NM_001330700.2 (MANE Select); coding-DNA position 254, A replaced by G.
Protein change: p.Tyr85Cys; replaces tyrosine 85 with cysteine.
Molecular consequence: missense variant.
Genome position (GRCh38, 1-based): chr3:25,643,771, T>C on the plus strand (A>G on the coding strand, the complement: TOP2B is on the minus strand). VCF-style: chr3-25643771-T-C. GRCh37 (hg19) VCF-style: chr3-25685262-T-C.
Other names: c.239A>G, p.Tyr80Cys (NM_001068.3); short protein forms Y80C, Y85C.
Identifiers: ClinVar variation 2167455 (VCV002167455.4), dbSNP rs764796902, ClinGen allele CA2288939.